The following is an entry in ClinVar:

ClinVar aggregate classification (germline): Benign/Likely benign. Review status: criteria provided, multiple submitters, no conflicts (2 of 4 stars). 3 submissions from 3 submitters: Benign (1); Likely benign (2). Last evaluated 2025-07-20.

Conditions:
Hereditary cancer-predisposing syndrome. Also called: Neoplastic Syndromes, Hereditary; Tumor predisposition; Hereditary Cancer Syndrome; Hereditary neoplastic syndrome. Identifiers: Orphanet 140162, MedGen C0027672, MeSH D009386, MONDO:0015356.
Oligodontia-cancer predisposition syndrome. Also called: TOOTH AGENESIS-COLORECTAL CANCER SYNDROME. Identifiers: Orphanet 300576, MedGen C1837750, MONDO:0012075, OMIM 608615. Disease mechanism: loss of function.

Allele frequency attached by ClinVar (database versions not stated): TOPMed below 0.00001; gnomAD exomes 0.00001.
gnomAD v4.1: 9 of 1,604,948 alleles (0.00056%); highest among the groups gnomAD compares: Non-Finnish European, 0.00077%; no homozygotes.

Submissions (3):

Labcorp Genetics (formerly Invitae), Labcorp
Classification: Likely benign for Oligodontia-cancer predisposition syndrome. Last evaluated: 2025-07-20. Review status: criteria provided, single submitter. Criteria: Invitae Variant Classification Sherloc (09022015). Collection method: clinical testing. Allele origin: germline.

Myriad Genetics, Inc.
Classification: Benign for Oligodontia-cancer predisposition syndrome. Last evaluated: 2024-06-25. Review status: criteria provided, single submitter. Criteria: Myriad Autosomal Dominant, Autosomal Recessive and X-Linked Classification Criteria (2023). Collection method: clinical testing. Allele origin: unknown.
Comment: This variant is considered benign. This variant is a silent/synonymous amino acid change and it is not expected to impact splicing.

Ambry Genetics
Classification: Likely benign for Hereditary cancer-predisposing syndrome. Last evaluated: 2023-06-08. Review status: criteria provided, single submitter. Criteria: Ambry Variant Classification Scheme 2023. Collection method: clinical testing. Allele origin: germline.

NM_004655.4(AXIN2):c.219C>T (p.Ser73=)

Gene: AXIN2 (axin 2; minus strand). Cytogenetic location: 17q24.1.
Variant type: single nucleotide variant.
Coding change: c.219C>T on transcript NM_004655.4 (MANE Select); coding-DNA position 219, C replaced by T.
Protein change: p.Ser73=; no amino-acid change (serine 73 retained).
Molecular consequence: synonymous variant.
Genome position (GRCh38, 1-based): chr17:65,558,402, G>A on the plus strand (C>T on the coding strand, the complement: AXIN2 is on the minus strand). VCF-style: chr17-65558402-G-A. GRCh37 (hg19) VCF-style: chr17-63554520-G-A.
Other names: c.219C>T (LRG_296t1); c.219C>T, p.Ser73= (NM_001363813.1).
Identifiers: ClinVar variation 464599 (VCV000464599.13), dbSNP rs1292845864, ClinGen allele CA501691449.